The following is an entry in ClinVar:

ClinVar aggregate classification (germline): Uncertain significance (1 of 4 stars; one submission).

Conditions:
Catecholaminergic polymorphic ventricular tachycardia 1. Also called: VENTRICULAR TACHYCARDIA, STRESS-INDUCED POLYMORPHIC 1; RYR2-Related Catecholaminergic Polymorphic Ventricular Tachycardia; VENTRICULAR TACHYCARDIA, CATECHOLAMINERGIC POLYMORPHIC, 1, WITH OR WITHOUT ATRIAL DYSFUNCTION AND/OR DILATED CARDIOMYOPATHY. Identifiers: Orphanet 3286, MedGen C1631597, MONDO:0011484, OMIM 604772.

gnomAD v4.1: 1 of 1,613,648 alleles (0.000062%); highest among the groups gnomAD compares: Non-Finnish European, 0.000085%; no homozygotes.

Submission:

Labcorp Genetics (formerly Invitae), Labcorp
Classification: Uncertain significance for Catecholaminergic polymorphic ventricular tachycardia 1. Last evaluated: 2025-03-09. Review status: criteria provided, single submitter. Criteria: Invitae Variant Classification Sherloc (09022015). Collection method: clinical testing. Allele origin: germline.
Comment: This sequence change replaces leucine, which is neutral and non-polar, with phenylalanine, which is neutral and non-polar, at codon 722 of the RYR2 protein (p.Leu722Phe). This variant is not present in population databases (gnomAD no frequency). This variant has not been reported in the literature in individuals affected with RYR2-related conditions. Invitae Evidence Modeling of protein sequence and biophysical properties (such as structural, functional, and spatial information, amino acid conservation, physicochemical variation, residue mobility, and thermodynamic stability) indicates that this missense variant is not expected to disrupt RYR2 protein function with a negative predictive value of 95%. In summary, the available evidence is currently insufficient to determine the role of this variant in disease. Therefore, it has been classified as a Variant of Uncertain Significance.

NM_001035.3(RYR2):c.2164C>T (p.Leu722Phe)

Gene: RYR2 (ryanodine receptor 2; plus strand). Cytogenetic location: 1q43.
Variant type: single nucleotide variant.
Coding change: c.2164C>T on transcript NM_001035.3 (MANE Select); coding-DNA position 2164, C replaced by T.
Protein change: p.Leu722Phe; replaces leucine 722 with phenylalanine.
Molecular consequence: missense variant.
Genome position (GRCh38, 1-based): chr1:237,496,713, C>T. VCF-style: chr1-237496713-C-T. GRCh37 (hg19) VCF-style: chr1-237660013-C-T.
Other names: short protein forms L722F.
Identifiers: ClinVar variation 4777248 (VCV004777248.1).